The following is an entry in ClinVar:

ClinVar aggregate classification (germline): Uncertain significance (1 of 4 stars; one submission).

Conditions:
Inborn genetic diseases. Identifiers: MedGen C0950123, MeSH D030342.

Allele frequency attached by ClinVar (database versions not stated): ExAC 0.00001; ESP Exome Variant Server 0.00008.

Submission:

Ambry Genetics
Classification: Uncertain significance for Inborn genetic diseases. Last evaluated: 2024-02-24. Review status: criteria provided, single submitter. Criteria: Ambry Variant Classification Scheme 2023. Collection method: clinical testing. Allele origin: germline.
Comment: The p.T164I variant (also known as c.491C>T), located in coding exon 2 of the ACD gene, results from a C to T substitution at nucleotide position 491. The threonine at codon 164 is replaced by isoleucine, an amino acid with similar properties. This amino acid position is conserved. In addition, this alteration is predicted to be tolerated by in silico analysis. Based on the available evidence, the clinical significance of this alteration remains unclear.

NM_001082486.2(ACD):c.233C>T (p.Thr78Ile)

Gene: ACD (ACD shelterin complex subunit and telomerase recruitment factor; minus strand). Cytogenetic location: 16q22.1.
Variant type: single nucleotide variant.
Coding change: c.233C>T on transcript NM_001082486.2 (MANE Select); coding-DNA position 233, C replaced by T.
Protein change: p.Thr78Ile; replaces threonine 78 with isoleucine.
Molecular consequence: missense variant.
Genome position (GRCh38, 1-based): chr16:67,659,912, G>A on the plus strand (C>T on the coding strand, the complement: ACD is on the minus strand). VCF-style: chr16-67659912-G-A. GRCh37 (hg19) VCF-style: chr16-67693815-G-A.
Other names: c.233C>T, p.Thr78Ile (NM_001410884.1); c.224C>T, p.Thr75Ile (NM_022914.3); short protein forms T75I, T78I.
Identifiers: ClinVar variation 3232674 (VCV003232674.1), dbSNP rs375257354, ClinGen allele CA8114791.